The following is an entry in ClinVar:

NM_002471.4(MYH6):c.1353del (p.Lys451fs)

Gene: MYH6 (myosin heavy chain 6; minus strand). Cytogenetic location: 14q11.2.
Variant type: Deletion.
Coding change: c.1353del on transcript NM_002471.4 (MANE Select); coding-DNA position 1353, one base deleted (G; older notation c.1353delG).
Protein change: p.Lys451fs; shifts the reading frame from lysine 451.
Molecular consequence: frameshift variant.
Genome position (GRCh38, 1-based): chr14:23,400,766, C deleted on the plus strand (G on the coding strand, the reverse complement: MYH6 is on the minus strand). VCF-style (leftmost placement, unchanged base first): chr14-23400765-GC-G. GRCh37 (hg19) VCF-style: chr14-23869974-GC-G.
Other names: short protein forms K451fs.
Identifiers: ClinVar variation 1770647 (VCV001770647.2), dbSNP rs750429612, ClinGen allele CA7115832.

ClinVar aggregate classification (germline): Uncertain significance (1 of 4 stars; one submission).

Conditions:
Cardiovascular phenotype. Identifiers: MedGen CN230736.

Allele frequency attached by ClinVar (database versions not stated): gnomAD exomes below 0.00001; ExAC 0.00001; gnomAD 0.00001; ESP Exome Variant Server 0.00008.

Submission:

Ambry Genetics
Classification: Uncertain significance for Cardiovascular phenotype. Last evaluated: 2022-05-02. Review status: criteria provided, single submitter. Criteria: Ambry Variant Classification Scheme 2023. Collection method: clinical testing. Allele origin: germline.
Comment: The c.1353delG variant, located in coding exon 11 of the MYH6 gene, results from a deletion of one nucleotide at nucleotide position 1353, causing a translational frameshift with a predicted alternate stop codon (p.K451Nfs*8). This alteration is expected to result in premature protein truncation or nonsense-mediated mRNA decay. However, loss of function of MYH6 has not been clearly established as a mechanism of disease. Since supporting evidence is limited at this time, the clinical significance of this alteration remains unclear.